The following is an entry in ClinVar:

ClinVar aggregate classification (germline): Conflicting classifications of pathogenicity. Review status: criteria provided, conflicting classifications (1 of 4 stars). 5 submissions from 5 submitters: Pathogenic (1); Likely pathogenic (2); Uncertain significance (2). Last evaluated 2025-11-24.

Conditions:
Congenital myotonia, autosomal recessive form. Also called: myotonia congenita, autosomal recessive; BECKER DISEASE; Becker Generalized Myotonia. Identifiers: Orphanet 614, MedGen C0751360, MONDO:0009715, OMIM 255700.
Congenital myotonia, autosomal dominant form (THD). Also called: THOMSEN DISEASE; Myotonia congenita autosomal dominant. Identifiers: Orphanet 614, MedGen C2936781, MONDO:0008055, OMIM 160800.

Allele frequency attached by ClinVar (database versions not stated): ExAC 0.00002; gnomAD exomes 0.00002; gnomAD 0.00003; TOPMed 0.00003.
gnomAD v4.1: 35 of 1,613,790 alleles (0.0022%); highest among the groups gnomAD compares: Middle Eastern, 0.017%; no homozygotes.

Submissions (5):

Labcorp Genetics (formerly Invitae), Labcorp
Classification: Pathogenic for Congenital myotonia, autosomal recessive form; Congenital myotonia, autosomal dominant form. Last evaluated: 2025-11-24. Review status: criteria provided, single submitter. Criteria: Invitae Variant Classification Sherloc (09022015). Collection method: clinical testing. Allele origin: germline.
Comment: This sequence change replaces glycine, which is neutral and non-polar, with serine, which is neutral and polar, at codon 276 of the CLCN1 protein (p.Gly276Ser). This variant is present in population databases (rs765181341, gnomAD 0.007%). This missense change has been observed in individual(s) with clinical features of autosomal recessive myotonia congenita (PMID: 24037712, 32117024; internal data). In at least one individual the data is consistent with being in trans (on the opposite chromosome) from a pathogenic variant. It has also been observed to segregate with disease in related individuals. ClinVar contains an entry for this variant (Variation ID: 447072). Invitae Evidence Modeling of protein sequence and biophysical properties (such as structural, functional, and spatial information, amino acid conservation, physicochemical variation, residue mobility, and thermodynamic stability) has been performed for this missense variant. However, the output from this modeling did not meet the statistical confidence thresholds required to predict the impact of this variant on CLCN1 protein function. Algorithms developed to predict the effect of sequence changes on RNA splicing suggest that this variant may disrupt the consensus splice site. This variant disrupts the p.Gly276 amino acid residue in CLCN1. Other variant(s) that disrupt this residue have been observed in individuals with CLCN1-related conditions (PMID: 17932099), which suggests that this may be a clinically significant amino acid residue. For these reasons, this variant has been classified as Pathogenic.

GeneDx
Classification: Likely pathogenic. Last evaluated: 2025-04-07. Review status: criteria provided, single submitter. Criteria: GeneDx Variant Classification Process June 2021. Collection method: clinical testing. Allele origin: germline. Affected: yes.
Comment: Observed with a second variant in multiple patients with myotonia congenita in published literature but it is not known whether the variants occurred on the same (in cis) or on different (in trans) chromosomes (PMID: 24037712, 34529042, 32117024); Published functional studies using Xenopus oocytes showed that this variant had reduced current amplitude and displayed recessive functional features (PMID: 34529042); In silico analysis supports that this missense variant has a deleterious effect on protein structure/function; Not observed at significant frequency in large population cohorts (gnomAD); This variant is associated with the following publications: (PMID: 17932099, 32117024, 19185184, 34386887, 36796140, 34529042, 24037712)

Fulgent Genetics
Classification: Likely pathogenic for Congenital myotonia, autosomal dominant form; Congenital myotonia, autosomal recessive form. Last evaluated: 2024-05-07. Review status: criteria provided, single submitter. Criteria: ACMG Guidelines, 2015. Collection method: clinical testing. Allele origin: germline.

Revvity Omics, Revvity
Classification: Uncertain significance. Last evaluated: 2019-11-26. Review status: criteria provided, single submitter. Criteria: ACMG Guidelines, 2015. Collection method: clinical testing. Allele origin: germline.

Athena Diagnostics
Classification: Uncertain significance. Last evaluated: 2017-06-05. Review status: criteria provided, single submitter. Criteria: Athena Diagnostics Criteria. Collection method: clinical testing. Allele origin: germline.

Literature cited by the submitters: PubMed 24037712 (cited by Labcorp Genetics (formerly Invitae), Labcorp and Athena Diagnostics); PubMed 32117024 (cited by Labcorp Genetics (formerly Invitae), Labcorp); PubMed 17932099 (cited by Labcorp Genetics (formerly Invitae), Labcorp and Athena Diagnostics).

NM_000083.3(CLCN1):c.826G>A (p.Gly276Ser)

Gene: CLCN1 (chloride voltage-gated channel 1; plus strand). Cytogenetic location: 7q34.
Variant type: single nucleotide variant.
Coding change: c.826G>A on transcript NM_000083.3 (MANE Select); coding-DNA position 826, G replaced by A.
Protein change: p.Gly276Ser; replaces glycine 276 with serine.
Molecular consequence: missense variant. On other transcripts: non-coding transcript variant (1).
Genome position (GRCh38, 1-based): chr7:143,324,465, G>A. VCF-style: chr7-143324465-G-A. GRCh37 (hg19) VCF-style: chr7-143021558-G-A.
Other names: short protein forms G276S.
Identifiers: ClinVar variation 447072 (VCV000447072.15), dbSNP rs765181341, ClinGen allele CA4537128.